The following is an entry in ClinVar:

ClinVar aggregate classification (germline): Likely pathogenic (1 of 4 stars; one submission).

Conditions:
Retinoblastoma (RB1). Also called: RETINOBLASTOMA, SOMATIC. Identifiers: Orphanet 790, MedGen C0035335, MeSH D012175, MONDO:0008380, OMIM 180200, HP:0009919. Disease mechanism: loss of function. Inheritance: Both sporadic and heritable forms are tested..

Submission:

Diller/Parad Lab, Dana-Farber/Harvard Cancer Center
Classification: Likely pathogenic for Retinoblastoma. Last evaluated: 2026-05-29. Review status: criteria provided, single submitter. Criteria: ACMG Guidelines, 2015. Collection method: research. Allele origin: germline. Affected: yes.
Comment: It has been classified as Likely Pathogenic using Richards et al (PMID:25741868) based on the following evidence codes: PM2, PVS1.

NM_000321.3(RB1):c.1252del (p.Arg418fs)

Gene: RB1 (RB transcriptional corepressor 1; plus strand). Cytogenetic location: 13q14.2.
Variant type: Deletion.
Coding change: c.1252del on transcript NM_000321.3 (MANE Select); coding-DNA position 1252, one base deleted (A; older notation c.1252delA).
Protein change: p.Arg418fs; shifts the reading frame from arginine 418.
Molecular consequence: frameshift variant.
Genome position (GRCh38, 1-based): chr13:48,376,954, A deleted; the last of 4 consecutive A bases (chr13:48,376,951-48,376,954); deleting any one gives the same sequence. VCF-style (leftmost placement, unchanged base first): chr13-48376950-GA-G. GRCh37 (hg19) VCF-style: chr13-48951086-GA-G.
Other names: c.1252del, p.Arg418fs (NM_001407165.1, NM_001407166.1); short protein forms R418fs.
Identifiers: ClinVar variation 4884448 (VCV004884448.1).
Genomic context (GRCh38, chr13:48,376,950, plus strand): 5'-CATTGATTTCTGTTTTTACCTCCTAAAGAACTGCACAGTGAATCCAAAAGAAAGTATACT[GA>G]AAAGAGTGAAGGATATAGGATACATCTTTAAAGAGAAATTTGCTAAAGCTGTGGGACAGG-3'